The following is an entry in ClinVar:

NM_004046.6(ATP5F1A):c.915A>G (p.Lys305=)

Gene: ATP5F1A (ATP synthase F1 subunit alpha; minus strand). Cytogenetic location: 18q21.1.
Variant type: single nucleotide variant.
Coding change: c.915A>G on transcript NM_004046.6 (MANE Select); coding-DNA position 915, A replaced by G.
Protein change: p.Lys305=; no amino-acid change (lysine 305 retained).
Molecular consequence: synonymous variant.
Genome position (GRCh38, 1-based): chr18:46,087,377, T>C on the plus strand (A>G on the coding strand, the complement: ATP5F1A is on the minus strand). VCF-style: chr18-46087377-T-C. GRCh37 (hg19) VCF-style: chr18-43667343-T-C.
Other names: c.765A>G, p.Lys255= (NM_001001935.3, NM_001257335.2); c.915A>G, p.Lys305= (NM_001001937.2); c.849A>G, p.Lys283= (NM_001257334.2).
Identifiers: ClinVar variation 3054757 (VCV003054757.2), dbSNP rs369451345, ClinGen allele CA8950692.

ClinVar aggregate classification (germline): Likely benign (0 of 4 stars; one submission).

Conditions:
ATP5F1A-related disorder. Also called: ATP5F1A-related condition.

Allele frequency attached by ClinVar (database versions not stated): gnomAD exomes 0.00002; ExAC 0.00001; ESP Exome Variant Server 0.00008.
gnomAD v4.1: 33 of 1,614,208 alleles (0.002%); highest among the groups gnomAD compares: Non-Finnish European, 0.0028%; no homozygotes.

Submission:

PreventionGenetics, part of Exact Sciences
Classification: Likely benign for ATP5F1A-related condition. Last evaluated: 2020-04-14. Review status: no assertion criteria provided. Collection method: clinical testing. Allele origin: germline.
Comment: This variant is classified as likely benign based on ACMG/AMP sequence variant interpretation guidelines (Richards et al. 2015 PMID: 25741868, with internal and published modifications).